The following is an entry in ClinVar:

ClinVar aggregate classification (germline): Likely benign (1 of 4 stars; one submission).

Allele frequency attached by ClinVar (database versions not stated): ExAC 0.00034; TOPMed 0.00001; gnomAD 0.00007; gnomAD exomes 0.00015; 1000 Genomes Project 30x 0.00016; 1000 Genomes Project 0.00020.
gnomAD v4.1: 227 of 1,613,926 alleles (0.014%); highest among the groups gnomAD compares: South Asian, 0.22%; 1 homozygote.

Submission:

CeGaT Center for Human Genetics Tuebingen
Classification: Likely benign. Last evaluated: 2025-11-01. Review status: criteria provided, single submitter. Criteria: CeGaT Center For Human Genetics Tuebingen Variant Classification Criteria Version 2. Collection method: clinical testing. Allele origin: germline. Affected: yes. Observed: 2 variant alleles.
Comment: CHD1: PP3, BS1

NM_001270.4(CHD1):c.3380G>A (p.Ser1127Asn)

Gene: CHD1 (chromodomain helicase DNA binding protein 1; minus strand). Cytogenetic location: 5q15.
Variant type: single nucleotide variant.
Coding change: c.3380G>A on transcript NM_001270.4 (MANE Select); coding-DNA position 3380, G replaced by A.
Protein change: p.Ser1127Asn; replaces serine 1127 with asparagine.
Molecular consequence: missense variant. On other transcripts: non-coding transcript variant (2).
Genome position (GRCh38, 1-based): chr5:98,876,416, C>T on the plus strand (G>A on the coding strand, the complement: CHD1 is on the minus strand). VCF-style: chr5-98876416-C-T. GRCh37 (hg19) VCF-style: chr5-98212120-C-T.
Other names: c.3380G>A, p.Ser1127Asn (NM_001364113.3, NM_001376194.2); short protein forms S1127N.
Identifiers: ClinVar variation 3024662 (VCV003024662.22), dbSNP rs199700859, ClinGen allele CA3355960.